The following is an entry in ClinVar:

ClinVar aggregate classification (germline): Conflicting classifications of pathogenicity. Review status: criteria provided, conflicting classifications (1 of 4 stars). 5 submissions from 5 submitters: Pathogenic (2); Likely pathogenic (2); Uncertain significance (1). Last evaluated 2026-07-01.

Conditions:
Deficiency of adenosine deaminase 2. Also called: Polyarteritis nodosa, childhoood-onset; VASCULITIS, AUTOINFLAMMATION, IMMUNODEFICIENCY, AND HEMATOLOGIC DEFECTS SYNDROME; Adenosine Deaminase 2 Deficiency. Identifiers: Orphanet 404553, MedGen C3887654, MONDO:0014306, OMIM 615688, MONDO:0100317.
Sneddon syndrome (SNDNS). Also called: LIVEDO RETICULARIS AND CEREBROVASCULAR ACCIDENTS; Idiopathic livedo reticularis with systemic involvement. Identifiers: Orphanet 820, MedGen C0282492, MONDO:0008436, OMIM 182410.

Allele frequency attached by ClinVar (database versions not stated): TOPMed 0.00001.
gnomAD v4.1: 12 of 1,613,934 alleles (0.00074%); highest among the groups gnomAD compares: Middle Eastern, 0.016%; no homozygotes.

Submissions (5):

CeGaT Center for Human Genetics Tuebingen
Classification: Likely pathogenic. Last evaluated: 2026-07-01. Review status: criteria provided, single submitter. Criteria: CeGaT Center For Human Genetics Tuebingen Variant Classification Criteria Version 2. Collection method: clinical testing. Allele origin: germline. Affected: yes. Observed: 1 variant allele.
Comment: ADA2: PM3:Strong, PM2, PS3:Supporting

Division of Clinical Immunology and Allergy, Necmettin Erbakan University, Faculty of Medicine
Classification: Pathogenic for Deficiency of adenosine deaminase 2. Last evaluated: 2026-05-14. Review status: criteria provided, single submitter. Criteria: ACMG Guidelines, 2015. Collection method: clinical testing. Allele origin: germline. Affected: yes. Observed: 1 variant allele.

Labcorp Genetics (formerly Invitae), Labcorp
Classification: Pathogenic for Deficiency of adenosine deaminase 2. Last evaluated: 2025-10-23. Review status: criteria provided, single submitter. Criteria: Invitae Variant Classification Sherloc (09022015). Collection method: clinical testing. Allele origin: germline.
Comment: This sequence change replaces valine, which is neutral and non-polar, with aspartic acid, which is acidic and polar, at codon 458 of the ADA2 protein (p.Val458Asp). This variant is not present in population databases (gnomAD no frequency). This missense change has been observed in individual(s) with deficiency of adenosine deaminase 2 (PMID: 28493328, 29963054, 31945408). In at least one individual the data is consistent with being in trans (on the opposite chromosome) from a pathogenic variant. It has also been observed to segregate with disease in related individuals. ClinVar contains an entry for this variant (Variation ID: 1027878). Invitae Evidence Modeling of protein sequence and biophysical properties (such as structural, functional, and spatial information, amino acid conservation, physicochemical variation, residue mobility, and thermodynamic stability) has been performed for this missense variant. However, the output from this modeling did not meet the statistical confidence thresholds required to predict the impact of this variant on ADA2 protein function. Experimental studies have shown that this missense change affects ADA2 function (PMID: 34004258). For these reasons, this variant has been classified as Pathogenic.

Blueprint Genetics
Classification: Uncertain significance. Last evaluated: 2024-08-21. Review status: criteria provided, single submitter. Criteria: ACMG Guidelines, 2015. Collection method: clinical testing. Allele origin: germline.

Baylor Genetics
Classification: Likely pathogenic for Sneddon syndrome. Last evaluated: 2019-05-31. Review status: criteria provided, single submitter. Criteria: ACMG Guidelines, 2015. Collection method: clinical testing. Allele origin: unknown. Affected: yes.
Comment: This variant was determined to be likely pathogenic according to ACMG Guidelines, 2015 [PMID:25741868].

Literature cited by the submitters: PubMed 28493328 (cited by Labcorp Genetics (formerly Invitae), Labcorp); PubMed 29963054 (cited by Labcorp Genetics (formerly Invitae), Labcorp); PubMed 31945408 (cited by Labcorp Genetics (formerly Invitae), Labcorp); PubMed 34004258 (cited by Labcorp Genetics (formerly Invitae), Labcorp).

NM_001282225.2(ADA2):c.1373T>A (p.Val458Asp)

Gene: ADA2 (adenosine deaminase 2; minus strand). Cytogenetic location: 22q11.1.
Variant type: single nucleotide variant.
Coding change: c.1373T>A on transcript NM_001282225.2 (MANE Select); coding-DNA position 1373, T replaced by A.
Protein change: p.Val458Asp; replaces valine 458 with aspartic acid.
Molecular consequence: missense variant.
Genome position (GRCh38, 1-based): chr22:17,181,889, A>T on the plus strand (T>A on the coding strand, the complement: ADA2 is on the minus strand). VCF-style: chr22-17181889-A-T. GRCh37 (hg19) VCF-style: chr22-17662779-A-T.
Other names: c.1373T>A, p.Val458Asp (NM_001282226.2); c.1247T>A, p.Val416Asp (NM_001282227.2, NM_001282228.2); c.1013T>A, p.Val338Asp (NM_001282229.2); c.650T>A, p.Val217Asp (NM_177405.3); short protein forms V458D, V338D, V416D, V217D.
Identifiers: ClinVar variation 1027878 (VCV001027878.7), dbSNP rs748893301, ClinGen allele CA410231753.
Genomic context (GRCh38, chr22:17,181,889, plus strand): 5'-TTCATGGCCAGCTGTTTGAGGGTCCTCAGGTCAGCCTTCATCCCCCCAATGCCCATGAAG[A>T]CCTCATAGAAATCATAGGACAAGCCTTTGGCACCAAACATAGCTGGGTCATCAGAGCTGA-3'
Protein context (NP_001269154.1, residues 448-468): AKGLSYDFYE[Val458Asp]FMGIGGMKAD